The following is an entry in ClinVar:

ClinVar aggregate classification (germline): Uncertain significance (1 of 4 stars; one submission).

Conditions:
Familial sleep-related hypermotor epilepsy. Also called: Autosomal Dominant Sleep-Related Hypermotor (Hyperkinetic) Epilepsy. Identifiers: Orphanet 98784, MedGen C3696898, MONDO:0000030.

Allele frequency attached by ClinVar (database versions not stated): gnomAD exomes 0.00001.
gnomAD v4.1: 7 of 1,614,028 alleles (0.00043%); highest among the groups gnomAD compares: Non-Finnish European, 0.00059%; no homozygotes.

Submission:

Labcorp Genetics (formerly Invitae), Labcorp
Classification: Uncertain significance. Last evaluated: 2023-04-06. Review status: criteria provided, single submitter. Criteria: Invitae Variant Classification Sherloc (09022015). Collection method: clinical testing. Allele origin: germline.
Comment: In summary, the available evidence is currently insufficient to determine the role of this variant in disease. Therefore, it has been classified as a Variant of Uncertain Significance. Advanced modeling of protein sequence and biophysical properties (such as structural, functional, and spatial information, amino acid conservation, physicochemical variation, residue mobility, and thermodynamic stability) performed at Invitae indicates that this missense variant is not expected to disrupt CHRNB2 protein function. This variant has not been reported in the literature in individuals affected with CHRNB2-related conditions. This variant is not present in population databases (gnomAD no frequency). This sequence change replaces asparagine, which is neutral and polar, with serine, which is neutral and polar, at codon 51 of the CHRNB2 protein (p.Asn51Ser).

NM_000748.3(CHRNB2):c.152A>G (p.Asn51Ser)

Gene: CHRNB2 (cholinergic receptor nicotinic beta 2 subunit; plus strand). Cytogenetic location: 1q21.3.
Variant type: single nucleotide variant.
Coding change: c.152A>G on transcript NM_000748.3 (MANE Select); coding-DNA position 152, A replaced by G.
Protein change: p.Asn51Ser; replaces asparagine 51 with serine.
Molecular consequence: missense variant.
Genome position (GRCh38, 1-based): chr1:154,569,549, A>G. VCF-style: chr1-154569549-A-G. GRCh37 (hg19) VCF-style: chr1-154542025-A-G.
Other names: short protein forms N51S.
Identifiers: ClinVar variation 2852893 (VCV002852893.3), dbSNP rs750797578, ClinGen allele CA30833006.
Genomic context (GRCh38, chr1:154,569,549, plus strand): 5'-GGCTGGTGGAGCATCTCCTGGATCCTTCCCGCTACAACAAGCTTATCCGCCCAGCCACCA[A>G]TGGCTCTGAGCTGGTGACAGTACAGCTTATGGTGTCACTGGCCCAGCTCATCAGTGTGGT-3'
Protein context (NP_000739.1, residues 41-61): RYNKLIRPAT[Asn51Ser]GSELVTVQLM